The following is an entry in ClinVar:

ClinVar aggregate classification (germline): Benign (1 of 4 stars; one submission).

Conditions:
Congenital contractural arachnodactyly (CCA). Also called: BEALS SYNDROME; Beals-Hecht syndrome; Arthrogryposis, distal, type 9. Identifiers: Orphanet 115, MedGen C0220668, MONDO:0007363, OMIM 121050.

Allele frequency attached by ClinVar (database versions not stated): gnomAD 0.00006; TOPMed 0.00009; 1000 Genomes Project 0.00120; 1000 Genomes Project 30x 0.00141.
gnomAD v4.1: 444 of 947,916 alleles (0.047%); highest among the groups gnomAD compares: South Asian, 0.54%; 6 homozygotes.

Submission:

Illumina Laboratory Services, Illumina
Classification: Benign for Congenital contractural arachnodactyly. Last evaluated: 2018-01-12. Review status: criteria provided, single submitter. Criteria: ICSL Variant Classification Criteria 13 December 2019. Collection method: clinical testing. Allele origin: germline.
Comment: This variant was observed in the ICSL laboratory as part of a predisposition screen in an ostensibly healthy population. It had not been previously curated by ICSL or reported in the Human Gene Mutation Database (HGMD: prior to June 1st, 2018), and was therefore a candidate for classification through an automated scoring system. Utilizing variant allele frequency, disease prevalence and penetrance estimates, and inheritance mode, an automated score was calculated to assess if this variant is too frequent to cause the disease. Based on the score and internal cut-off values, a variant classified as benign is not then subjected to further curation. The score for this variant resulted in a classification of benign for this disease.

NM_001999.4(FBN2):c.-122G>T

Gene: FBN2 (fibrillin 2; minus strand). Cytogenetic location: 5q23.3.
Variant type: single nucleotide variant.
Coding change: c.-122G>T on transcript NM_001999.4 (MANE Select); 122 bases upstream of the start codon, G replaced by T.
Molecular consequence: 5 prime UTR variant.
Genome position (GRCh38, 1-based): chr5:128,537,725, C>A on the plus strand (G>T on the coding strand, the complement: FBN2 is on the minus strand). VCF-style: chr5-128537725-C-A. GRCh37 (hg19) VCF-style: chr5-127873418-C-A.
Identifiers: ClinVar variation 350794 (VCV000350794.5), dbSNP rs557716482, ClinGen allele CA10620135.
Genomic context (GRCh38, chr5:128,537,725, plus strand): 5'-TGCGCGCCTCAGAAAAGAGTCAGGGTCTAATAAGCCCTTCGTCGGCTCCGGGGACTCCCT[C>A]GGGCTCGGGCTCCCTGCTCTAGCTGGAGACCTCGACAGAGCGCCGGCCCCCTGACTGCCC-3'